The following is an entry in ClinVar:

NM_001252024.2(TRPM1):c.1451A>G (p.Glu484Gly)

Gene: TRPM1 (transient receptor potential cation channel subfamily M member 1; minus strand). Cytogenetic location: 15q13.3.
Variant type: single nucleotide variant.
Coding change: c.1451A>G on transcript NM_001252024.2 (MANE Select); coding-DNA position 1451, A replaced by G.
Protein change: p.Glu484Gly; replaces glutamic acid 484 with glycine.
Molecular consequence: missense variant.
Genome position (GRCh38, 1-based): chr15:31,049,496, T>C on the plus strand (A>G on the coding strand, the complement: TRPM1 is on the minus strand). VCF-style: chr15-31049496-T-C. GRCh37 (hg19) VCF-style: chr15-31341699-T-C.
Other names: c.1502A>G, p.Glu501Gly (NM_001252020.2); c.1385A>G, p.Glu462Gly (NM_002420.6); short protein forms E462G, E501G, E484G.
Identifiers: ClinVar variation 961523 (VCV000961523.9), dbSNP rs2033882470, ClinGen allele CA391517117.

ClinVar aggregate classification (germline): Uncertain significance (1 of 4 stars; one submission).

Allele frequency attached by ClinVar (database versions not stated): gnomAD exomes below 0.00001.
gnomAD v4.1: 3 of 1,613,850 alleles (0.00019%); highest among the groups gnomAD compares: Non-Finnish European, 0.00025%; no homozygotes.

Submission:

Labcorp Genetics (formerly Invitae), Labcorp
Classification: Uncertain significance. Last evaluated: 2022-03-19. Review status: criteria provided, single submitter. Criteria: Invitae Variant Classification Sherloc (09022015). Collection method: clinical testing. Allele origin: germline.
Comment: In summary, the available evidence is currently insufficient to determine the role of this variant in disease. Therefore, it has been classified as a Variant of Uncertain Significance. Algorithms developed to predict the effect of missense changes on protein structure and function are either unavailable or do not agree on the potential impact of this missense change (SIFT: "Deleterious"; PolyPhen-2: "Probably Damaging"; Align-GVGD: "Class C0"). ClinVar contains an entry for this variant (Variation ID: 961523). This variant has not been reported in the literature in individuals affected with TRPM1-related conditions. This variant is not present in population databases (gnomAD no frequency). This sequence change replaces glutamic acid, which is acidic and polar, with glycine, which is neutral and non-polar, at codon 462 of the TRPM1 protein (p.Glu462Gly).